The following is an entry in ClinVar:

NM_000059.4(BRCA2):c.8765G>C (p.Ser2922Thr)

Gene: BRCA2 (BRCA2 DNA repair associated; plus strand). Cytogenetic location: 13q13.1.
Variant type: single nucleotide variant.
Coding change: c.8765G>C on transcript NM_000059.4 (MANE Select); coding-DNA position 8765, G replaced by C.
Protein change: p.Ser2922Thr; replaces serine 2922 with threonine.
Molecular consequence: missense variant.
Genome position (GRCh38, 1-based): chr13:32,379,327, G>C. VCF-style: chr13-32379327-G-C. GRCh37 (hg19) VCF-style: chr13-32953464-G-C.
Other names: c.8669G>C, p.Ser2890Thr (NM_001406719.1); c.8765G>C, p.Ser2922Thr (NM_001406720.1); c.3833G>C, p.Ser1278Thr (NM_001406721.1); c.2348G>C, p.Ser783Thr (NM_001406722.1); short protein forms S1278T, S2922T, S783T, S2890T.
Identifiers: ClinVar variation 2135064 (VCV002135064.4), dbSNP rs730881567, ClinGen allele CA387755765.

ClinVar aggregate classification (germline): Uncertain significance (1 of 4 stars; one submission).

Conditions:
Hereditary breast ovarian cancer syndrome. Also called: Hereditary breast and ovarian cancer; Hereditary breast and/or ovarian cancer syndrome; Hereditary breast and ovarian cancer syndrome (HBOC); Breast and ovarian cancer; Hereditary breast and ovarian cancer syndrome; BRCA1- and BRCA2-Associated Hereditary Breast and Ovarian Cancer. Identifiers: Orphanet 145, MedGen C0677776, MeSH D061325, MONDO:0003582. Disease mechanism: loss of function.

gnomAD v4.1: 1 of 1,613,684 alleles (0.000062%); highest among the groups gnomAD compares: Non-Finnish European, 0.000085%; no homozygotes.

Submission:

Labcorp Genetics (formerly Invitae), Labcorp
Classification: Uncertain significance for Hereditary breast ovarian cancer syndrome. Last evaluated: 2022-05-16. Review status: criteria provided, single submitter. Criteria: Invitae Variant Classification Sherloc (09022015). Collection method: clinical testing. Allele origin: germline.
Comment: This sequence change replaces serine, which is neutral and polar, with threonine, which is neutral and polar, at codon 2922 of the BRCA2 protein (p.Ser2922Thr). This variant is not present in population databases (gnomAD no frequency). This variant has not been reported in the literature in individuals affected with BRCA2-related conditions. Advanced modeling of protein sequence and biophysical properties (such as structural, functional, and spatial information, amino acid conservation, physicochemical variation, residue mobility, and thermodynamic stability) performed at Invitae indicates that this missense variant is not expected to disrupt BRCA2 protein function. In summary, the available evidence is currently insufficient to determine the role of this variant in disease. Therefore, it has been classified as a Variant of Uncertain Significance.